The following is an entry in ClinVar:

ClinVar aggregate classification (germline): Uncertain significance (1 of 4 stars; one submission).

Conditions:
CAPN12-related disorder. Also called: CAPN12-related condition.

Submission:

PreventionGenetics, part of Exact Sciences
Classification: Uncertain significance for CAPN12-related condition. Last evaluated: 2023-08-24. Review status: criteria provided, single submitter. Criteria: ACMG Guidelines, 2015. Collection method: clinical testing. Allele origin: germline.
Comment: The CAPN12 c.415T>G variant is predicted to result in the amino acid substitution p.Phe139Val. To our knowledge, this variant has not been reported in the literature or in a large population database, indicating this variant is rare. At this time, the clinical significance of this variant is uncertain due to the absence of conclusive functional and genetic evidence.

NM_144691.4(CAPN12):c.415T>G (p.Phe139Val)

Gene: CAPN12 (calpain 12; minus strand). Cytogenetic location: 19q13.2.
Variant type: single nucleotide variant.
Coding change: c.415T>G on transcript NM_144691.4 (MANE Select); coding-DNA position 415, T replaced by G.
Protein change: p.Phe139Val; replaces phenylalanine 139 with valine.
Molecular consequence: missense variant.
Genome position (GRCh38, 1-based): chr19:38,742,421, A>C on the plus strand (T>G on the coding strand, the complement: CAPN12 is on the minus strand). VCF-style: chr19-38742421-A-C. GRCh37 (hg19) VCF-style: chr19-39233061-A-C.
Other names: short protein forms F139V.
Identifiers: ClinVar variation 2631361 (VCV002631361.1), dbSNP rs757740657, ClinGen allele CA405717266.
Genomic context (GRCh38, chr19:38,742,421, plus strand): 5'-AAGTCACCATGGGGGAAACGGAGGCATGGGCAGAGGAACTGAGCTGTACCTGGAAGTGGA[A>C]GACGCCTGCGTAGCCATGCTGGAAATCCTGTCCAGGAGGGACCACCCGGCGCAGGAGCCG-3'
Protein context (NP_653292.2, residues 129-149): QDFQHGYAGV[Phe139Val]HFQLWQFGRW